The following is an entry in ClinVar:

ClinVar aggregate classification (germline): Likely benign. Review status: criteria provided, multiple submitters, no conflicts (2 of 4 stars). 2 submissions from 2 submitters: Likely benign (2). Last evaluated 2025-11-28.

Conditions:
EYS-related disorder. Also called: EYS-related condition.

Allele frequency attached by ClinVar (database versions not stated): gnomAD exomes 0.00001 and 0.00004; gnomAD 0.00008 and 0.00009; TOPMed 0.00011; ExAC 0.00014; ESP Exome Variant Server 0.00016.

Submissions (2):

Labcorp Genetics (formerly Invitae), Labcorp
Classification: Likely benign. Last evaluated: 2025-11-28. Review status: criteria provided, single submitter. Criteria: Invitae Variant Classification Sherloc (09022015). Collection method: clinical testing. Allele origin: germline.

PreventionGenetics, part of Exact Sciences
Classification: Likely benign for EYS-related condition. Last evaluated: 2024-12-12. Review status: criteria provided, single submitter. Criteria: ACMG Guidelines, 2015. Collection method: clinical testing. Allele origin: germline.
Comment: This variant is classified as likely benign based on ACMG/AMP sequence variant interpretation guidelines (Richards et al. 2015 PMID: 25741868, with internal and published modifications).

NM_001142800.2(EYS):c.3164+11_3164+12insC

Gene: EYS (EGF-like photoreceptor maintenance factor; minus strand). Cytogenetic location: 6q12.
Variant type: Insertion.
Coding change: c.3164+11_3164+12insC on transcript NM_001142800.2 (MANE Select); bases 11 to 12 of the intron after coding-DNA position 3164, C inserted.
Molecular consequence: intron variant.
Genome position: GRCh38 VCF-style: chr6-64822639-A-AG. GRCh37 (hg19) VCF-style: chr6-65532532-A-AG.
Other names: c.3164+11_3164+12insC (NM_001292009.2, NM_001142800.1).
Identifiers: ClinVar variation 1568769 (VCV001568769.9), dbSNP rs745862028, ClinGen allele CA3877217.